The following is an entry in ClinVar:

NM_000179.3(MSH6):c.174G>A (p.Arg58=)

Gene: MSH6 (mutS homolog 6; plus strand). Cytogenetic location: 2p16.3.
Variant type: single nucleotide variant.
Coding change: c.174G>A on transcript NM_000179.3 (MANE Select); coding-DNA position 174, G replaced by A.
Protein change: p.Arg58=; no amino-acid change (arginine 58 retained).
Molecular consequence: synonymous variant. On other transcripts: 5 prime UTR variant (1).
Genome position (GRCh38, 1-based): chr2:47,783,407, G>A. VCF-style: chr2-47783407-G-A. GRCh37 (hg19) VCF-style: chr2-48010546-G-A.
Other names: c.174G>A, p.Arg58= (NM_001281492.2); c.-563G>A (NM_001281493.2).
Identifiers: ClinVar variation 819984 (VCV000819984.10), dbSNP rs1572698303, ClinGen allele CA426120703.
Genomic context (GRCh38, chr2:47,783,407, plus strand): 5'-CGGGGCCTCTCCTTCCCCAGGCGGGGATGCGGCCTGGAGCGAGGCTGGGCCTGGGCCCAG[G>A]CCCTTGGCGCGCTCCGCGTCACCGCCCAAGGCGAAGAACCTCAACGGAGGGCTGCGGAGA-3'
Protein context (NP_000170.1, residues 48-68): AAWSEAGPGP[Arg58=]PLARSASPPK

ClinVar aggregate classification (germline): Benign/Likely benign. Review status: criteria provided, multiple submitters, no conflicts (2 of 4 stars). 3 submissions from 3 submitters: Benign (1); Likely benign (2). Last evaluated 2025-06-27.

Conditions:
Hereditary nonpolyposis colorectal neoplasms. Identifiers: MedGen C0009405, MeSH D003123.
Hereditary cancer-predisposing syndrome. Also called: Neoplastic Syndromes, Hereditary; Tumor predisposition; Hereditary Cancer Syndrome; Hereditary neoplastic syndrome. Identifiers: Orphanet 140162, MedGen C0027672, MeSH D009386, MONDO:0015356.
Lynch syndrome 5 (LYNCH5). Also called: Colorectal cancer, hereditary nonpolyposis, type 5; Hereditary non-polyposis colorectal cancer, type 5. Identifiers: Orphanet 144, MedGen C1833477, MONDO:0013710, OMIM 614350. Disease mechanism: loss of function.

Submissions (3):

Labcorp Genetics (formerly Invitae), Labcorp
Classification: Likely benign for Hereditary nonpolyposis colorectal neoplasms. Last evaluated: 2025-06-27. Review status: criteria provided, single submitter. Criteria: Invitae Variant Classification Sherloc (09022015). Collection method: clinical testing. Allele origin: germline.

Myriad Genetics, Inc.
Classification: Benign for Lynch syndrome 5. Last evaluated: 2024-12-17. Review status: criteria provided, single submitter. Criteria: Myriad Autosomal Dominant, Autosomal Recessive and X-Linked Classification Criteria (2023). Collection method: clinical testing. Allele origin: unknown.
Comment: This variant is considered benign. This variant is a silent/synonymous amino acid change and it is not expected to impact splicing.

Ambry Genetics
Classification: Likely benign for Hereditary cancer-predisposing syndrome. Last evaluated: 2019-08-13. Review status: criteria provided, single submitter. Criteria: Ambry Variant Classification Scheme 2023. Collection method: clinical testing. Allele origin: germline.